The following is an entry in ClinVar:

NM_001710.6(CFB):c.1256G>A (p.Arg419Lys)

Gene: CFB (complement factor B; plus strand). Cytogenetic location: 6p21.33.
Variant type: single nucleotide variant.
Coding change: c.1256G>A on transcript NM_001710.6 (MANE Select); coding-DNA position 1256, G replaced by A.
Protein change: p.Arg419Lys; replaces arginine 419 with lysine.
Molecular consequence: missense variant.
Genome position (GRCh38, 1-based): chr6:31,949,330, G>A. VCF-style: chr6-31949330-G-A. GRCh37 (hg19) VCF-style: chr6-31917107-G-A.
Other names: short protein forms R419K.
Identifiers: ClinVar variation 2397684 (VCV002397684.4), dbSNP rs2482695137, ClinGen allele CA363402192.

ClinVar aggregate classification (germline): Uncertain significance. Review status: criteria provided, multiple submitters, no conflicts (2 of 4 stars). 2 submissions from 2 submitters: Uncertain significance (2). Last evaluated 2024-10-02.

Conditions:
Inborn genetic diseases. Identifiers: MedGen C0950123, MeSH D030342.

Allele frequency attached by ClinVar (database versions not stated): gnomAD exomes 0.00001.
gnomAD v4.1: 5 of 1,614,178 alleles (0.00031%); highest among the groups gnomAD compares: Non-Finnish European, 0.00042%; no homozygotes.

Submissions (2):

Labcorp Genetics (formerly Invitae), Labcorp
Classification: Uncertain significance. Last evaluated: 2024-10-02. Review status: criteria provided, single submitter. Criteria: Invitae Variant Classification Sherloc (09022015). Collection method: clinical testing. Allele origin: germline.
Comment: This sequence change replaces arginine, which is basic and polar, with lysine, which is basic and polar, at codon 419 of the CFB protein (p.Arg419Lys). This variant is not present in population databases (gnomAD no frequency). This variant has not been reported in the literature in individuals affected with CFB-related conditions. ClinVar contains an entry for this variant (Variation ID: 2397684). Invitae Evidence Modeling of protein sequence and biophysical properties (such as structural, functional, and spatial information, amino acid conservation, physicochemical variation, residue mobility, and thermodynamic stability) has been performed for this missense variant. However, the output from this modeling did not meet the statistical confidence thresholds required to predict the impact of this variant on CFB protein function. In summary, the available evidence is currently insufficient to determine the role of this variant in disease. Therefore, it has been classified as a Variant of Uncertain Significance.

Ambry Genetics
Classification: Uncertain significance for Inborn genetic diseases. Last evaluated: 2022-12-13. Review status: criteria provided, single submitter. Criteria: Ambry Variant Classification Scheme 2023. Collection method: clinical testing. Allele origin: germline.